The following is an entry in ClinVar:

NM_002691.4(POLD1):c.1695C>T (p.His565=)

Gene: POLD1 (DNA polymerase delta 1, catalytic subunit; plus strand). Cytogenetic location: 19q13.33.
Variant type: single nucleotide variant.
Coding change: c.1695C>T on transcript NM_002691.4 (MANE Select); coding-DNA position 1695, C replaced by T.
Protein change: p.His565=; no amino-acid change (histidine 565 retained).
Molecular consequence: synonymous variant. On other transcripts: non-coding transcript variant (1).
Genome position (GRCh38, 1-based): chr19:50,407,335, C>T. VCF-style: chr19-50407335-C-T. GRCh37 (hg19) VCF-style: chr19-50910592-C-T.
Other names: c.1695C>T, p.His565= (NM_001256849.1, NM_001308632.1).
Identifiers: ClinVar variation 389730 (VCV000389730.59), dbSNP rs763347860, ClinGen allele CA9596236.
Genomic context (GRCh38, chr19:50,407,335, plus strand): 5'-TCCGCACGGCCCCACCTATACCCACTCCATTTCCCACCTTCTCCCCTCCCAGGCCATGCA[C>T]GAGGGGCTGCTGATGCCCGTGGTGAAGTCAGAGGGCGGCGAGGACTACACGGGAGCCACT-3'
Protein context (NP_002682.2, residues 555-575): VVSQLLRQAM[His565=]EGLLMPVVKS

ClinVar aggregate classification (germline): Likely benign. Review status: criteria provided, multiple submitters, no conflicts (2 of 4 stars). 7 submissions from 7 submitters: Likely benign (5). 2 of the submissions do not count toward it. Last evaluated 2025-12-22.

Conditions:
POLD1-related polyposis and colorectal cancer syndrome (CRCS10). Also called: Colorectal cancer, susceptibility to, 10; Colorectal cancer 10; COLORECTAL CANCER, SUSCEPTIBILITY TO, ON CHROMOSOME 19q. Identifiers: Orphanet 220460, MedGen C2675481, MONDO:0012953, OMIM 612591.
POLD1-related disorder. Also called: POLD1-related disorders; POLD1-related condition.
Hereditary cancer-predisposing syndrome. Also called: Neoplastic Syndromes, Hereditary; Hereditary neoplastic syndrome; Hereditary Cancer Syndrome; Tumor predisposition. Identifiers: Orphanet 140162, MedGen C0027672, MeSH D009386, MONDO:0015356.

Allele frequency attached by ClinVar (database versions not stated): TOPMed below 0.00001; gnomAD 0.00001; ExAC 0.00002; gnomAD exomes 0.00002 and 0.00003.
gnomAD v4.1: 42 of 1,612,432 alleles (0.0026%); highest among the groups gnomAD compares: East Asian, 0.051%; no homozygotes.

Submissions (7):

Labcorp Genetics (formerly Invitae), Labcorp
Classification: Likely benign for POLD1-related polyposis and colorectal cancer syndrome. Last evaluated: 2025-12-22. Review status: criteria provided, single submitter. Criteria: Invitae Variant Classification Sherloc (09022015). Collection method: clinical testing. Allele origin: germline.

Blueprint Genetics
Classification: Likely benign. Last evaluated: 2024-01-29. Review status: criteria provided, single submitter. Criteria: ACMG Guidelines, 2015. Collection method: clinical testing. Allele origin: germline.

KCCC/NGS Laboratory, Kuwait Cancer Control Center
Classification: Likely benign for POLD1-related polyposis and colorectal cancer syndrome. Last evaluated: 2023-07-07. Review status: criteria provided, single submitter. Criteria: ACMG Guidelines, 2015. Collection method: clinical testing. Allele origin: germline. Affected: yes.

GeneDx
Classification: Likely benign. Last evaluated: 2019-12-03. Review status: criteria provided, single submitter. Criteria: GeneDx Variant Classification Process June 2021. Collection method: clinical testing. Allele origin: germline. Affected: yes.

Ambry Genetics
Classification: Likely benign for Hereditary cancer-predisposing syndrome. Last evaluated: 2016-07-06. Review status: criteria provided, single submitter. Criteria: Ambry Variant Classification Scheme 2023. Collection method: clinical testing. Allele origin: germline.

PreventionGenetics, part of Exact Sciences
Classification: Likely benign for POLD1-related condition. Last evaluated: 2022-12-09. Review status: no assertion criteria provided. Collection method: clinical testing. Allele origin: germline. Not counted in ClinVar's aggregate classification.
Comment: This variant is classified as likely benign based on ACMG/AMP sequence variant interpretation guidelines (Richards et al. 2015 PMID: 25741868, with internal and published modifications).

True Health Diagnostics
Classification: Likely benign for Hereditary cancer-predisposing syndrome. Last evaluated: 2018-05-01. Review status: no assertion criteria provided. Collection method: clinical testing. Allele origin: germline. Not counted in ClinVar's aggregate classification.